The following is an entry in ClinVar:

ClinVar aggregate classification (germline): Likely pathogenic. Review status: criteria provided, single submitter (1 of 4 stars). 2 submissions from 2 submitters: Likely pathogenic (1). 1 of the submissions does not count toward it. Last evaluated 2025-06-05.

Conditions:
Polycystic kidney disease, adult type (PKD1). Also called: Polycystic Kidney, Autosomal Dominant; POLYCYSTIC KIDNEY DISEASE 1 WITH OR WITHOUT POLYCYSTIC LIVER DISEASE; Polycystic Kidney Disease 1, Autosomal Dominant; Polycystic kidney disease 1; Polycystic kidney disease 1, severe; POLYCYSTIC KIDNEY DISEASE, ADULT, TYPE I. Identifiers: MedGen C3149841, MONDO:0008263, OMIM 173900.

Submissions (2):

Variantyx, Inc.
Classification: Likely pathogenic for Polycystic kidney disease, adult type. Last evaluated: 2025-06-05. Review status: criteria provided, single submitter. Criteria: Variantyx Assertion Criteria 2022. Collection method: clinical testing. Allele origin: germline. Inheritance: Autosomal dominant inheritance. Affected: yes.
Comment: This is a nonsense variant in the PKD1 gene (OMIM: 601313). Pathogenic variants in this gene have been associated with autosomal dominant polycystic kidney disease 1. This variant introduces a premature termination codon in exon 33 out of 46 and is expected to result in loss of function, which is a known disease mechanism for PKD1 in this disorder (PMID: 25491204, 24694054, 29529603) (PVS1). This variant is absent from control populations (PM2). Based on the current evidence, this variant is classified as likely pathogenic for autosomal dominant polycystic kidney disease 1.

Centre for Genetic Disorders, Banaras Hindu University
Classification: Pathogenic for Polycystic kidney disease, adult type. Last evaluated: 2016-12-30. Review status: no assertion criteria provided. Collection method: research. Allele origin: germline. Inheritance: Autosomal dominant inheritance. Affected: yes. Not counted in ClinVar's aggregate classification.
Comment: This variant was not present in 100 control individuals. NM_001009944.2:c.10348G>T (E3450X) causes termination of protein synthesis at 3450 amino acid. MutationTaster predicts this variant to cause the disease.

Literature cited by the submitters: PubMed 25491204 (cited by Variantyx, Inc.); PubMed 24694054 (cited by Variantyx, Inc.); PubMed 29529603 (cited by Variantyx, Inc.).

NM_001009944.3(PKD1):c.10348G>T (p.Glu3450Ter)

Gene: PKD1 (polycystin 1, transient receptor potential channel interacting; minus strand). Cytogenetic location: 16p13.3.
Variant type: single nucleotide variant.
Coding change: c.10348G>T on transcript NM_001009944.3 (MANE Select); coding-DNA position 10348, G replaced by T.
Protein change: p.Glu3450Ter; replaces glutamic acid 3450 with a stop codon.
Molecular consequence: nonsense.
Genome position (GRCh38, 1-based): chr16:2,097,376, C>A on the plus strand (G>T on the coding strand, the complement: PKD1 is on the minus strand). VCF-style: chr16-2097376-C-A. GRCh37 (hg19) VCF-style: chr16-2147377-C-A.
Other names: c.10345G>T, p.Glu3449Ter (NM_000296.4); short protein forms E3450*, E3449*.
Identifiers: ClinVar variation 488408 (VCV000488408.3), dbSNP rs780009030, ClinGen allele CA394345175.